The following is an entry in ClinVar:

ClinVar aggregate classification (germline): Conflicting classifications of pathogenicity. Review status: criteria provided, conflicting classifications (1 of 4 stars). 3 submissions from 3 submitters: Uncertain significance (1); Likely benign (1). 1 of the submissions does not count toward it. Last evaluated 2026-09-23.

Conditions:
Finnish congenital nephrotic syndrome (NPHS1). Also called: NEPHROTIC SYNDROME, TYPE 1. Identifiers: Orphanet 839, MedGen C0403399, MONDO:0009732, OMIM 256300.

Allele frequency attached by ClinVar (database versions not stated): TOPMed 0.00002; gnomAD 0.00004 and 0.00003; gnomAD exomes 0.00005; ExAC 0.00002.

Submissions (3):

GeneDx
Classification: Uncertain significance. Last evaluated: 2026-09-23. Review status: criteria provided, single submitter. Criteria: GeneDx Variant Classification Process June 2021. Collection method: clinical testing. Allele origin: germline.
Comment: Not observed at significant frequency in large population cohorts (gnomAD); In silico analysis suggests that this variant does not alter splicing; Has not been previously published as pathogenic or benign to our knowledge

Labcorp Genetics (formerly Invitae), Labcorp
Classification: Likely benign. Last evaluated: 2025-12-16. Review status: criteria provided, single submitter. Criteria: Invitae Variant Classification Sherloc (09022015). Collection method: clinical testing. Allele origin: germline.

Natera, Inc.
Classification: Uncertain significance for Finnish congenital nephrotic syndrome. Last evaluated: 2019-12-17. Review status: no assertion criteria provided. Collection method: clinical testing. Allele origin: germline. Not counted in ClinVar's aggregate classification.

NM_004646.4(NPHS1):c.609-10C>T

Gene: NPHS1 (NPHS1 adhesion molecule, nephrin; minus strand). Cytogenetic location: 19q13.12.
Variant type: single nucleotide variant.
Coding change: c.609-10C>T on transcript NM_004646.4 (MANE Select); 10 bases into the intron before coding-DNA position 609, C replaced by T.
Molecular consequence: intron variant.
Genome position (GRCh38, 1-based): chr19:35,849,663, G>A on the plus strand (C>T on the coding strand, the complement: NPHS1 is on the minus strand). VCF-style: chr19-35849663-G-A. GRCh37 (hg19) VCF-style: chr19-36340565-G-A.
Identifiers: ClinVar variation 796575 (VCV000796575.13), dbSNP rs763508503, ClinGen allele CA9390725.
Genomic context (GRCh38, chr19:35,849,663, plus strand): 5'-GACGCCTCACAGACCAGCAACTGCCTATTATCTGAGCTCCGGGGTGTCACCCTGGGATGA[G>A]AAGTCAGGGTTATAGAGTCAGAGTCATCATCTGAAATTTGGGGAGTCAGGGAGAAGAGGT-3'